The following is an entry in ClinVar:

ClinVar aggregate classification (germline): Likely benign (1 of 4 stars; one submission).

Allele frequency attached by ClinVar (database versions not stated): gnomAD exomes 0.00002; gnomAD 0.00009; TOPMed 0.00009; 1000 Genomes Project 0.00040; 1000 Genomes Project 30x 0.00062.

Submission:

CeGaT Center for Human Genetics Tuebingen
Classification: Likely benign. Last evaluated: 2022-03-01. Review status: criteria provided, single submitter. Criteria: CeGaT Center For Human Genetics Tuebingen Variant Classification Criteria Version 2. Collection method: clinical testing. Allele origin: germline. Affected: yes. Observed: 1 variant allele.
Comment: MUC19: BP4, BP7

NC_000012.12:g.40541834A>G

Gene: MUC19 (mucin 19, oligomeric (gene/pseudogene); plus strand). Cytogenetic location: 12q12.
Variant type: single nucleotide variant.
Genome position: GRCh38 VCF-style: chr12-40541834-A-G. GRCh37 (hg19) VCF-style: chr12-40935636-A-G.
Identifiers: ClinVar variation 2642885 (VCV002642885.24), dbSNP rs376066372, ClinGen allele CA235378010.